The following is an entry in ClinVar:

ClinVar aggregate classification (germline): Pathogenic. Review status: criteria provided, multiple submitters, no conflicts (2 of 4 stars). 3 submissions from 3 submitters: Pathogenic (3). Last evaluated 2025-11-06.

Conditions:
Hereditary cancer-predisposing syndrome. Also called: Neoplastic Syndromes, Hereditary; Tumor predisposition; Hereditary neoplastic syndrome; Hereditary Cancer Syndrome. Identifiers: Orphanet 140162, MedGen C0027672, MeSH D009386, MONDO:0015356.
Hereditary nonpolyposis colorectal neoplasms. Identifiers: MedGen C0009405, MeSH D003123.
Lynch syndrome 5 (LYNCH5). Also called: Hereditary non-polyposis colorectal cancer, type 5; Colorectal cancer, hereditary nonpolyposis, type 5. Identifiers: Orphanet 144, MedGen C1833477, MONDO:0013710, OMIM 614350. Disease mechanism: loss of function.

Allele frequency attached by ClinVar (database versions not stated): TOPMed 0.00001.

Submissions (3):

Ambry Genetics
Classification: Pathogenic for Hereditary cancer-predisposing syndrome. Last evaluated: 2025-11-06. Review status: criteria provided, single submitter. Criteria: Ambry Variant Classification Scheme 2023. Collection method: clinical testing. Allele origin: germline.
Comment: The c.350_353dupGAAC pathogenic mutation, located in coding exon 2 of the MSH6 gene, results from a duplication of GAAC at nucleotide position 350, causing a translational frameshift with a predicted alternate stop codon (p.F119Nfs*18). This variant is considered to be rare based on population cohorts in the Genome Aggregation Database (gnomAD). This alteration is expected to result in loss of function by premature protein truncation or nonsense-mediated mRNA decay. As such, this alteration is interpreted as a disease-causing mutation.

Labcorp Genetics (formerly Invitae), Labcorp
Classification: Pathogenic for Hereditary nonpolyposis colorectal neoplasms. Last evaluated: 2025-10-21. Review status: criteria provided, single submitter. Criteria: Invitae Variant Classification Sherloc (09022015). Collection method: clinical testing. Allele origin: germline.
Comment: This sequence change creates a premature translational stop signal (p.Phe119Asnfs*18) in the MSH6 gene. It is expected to result in an absent or disrupted protein product. Loss-of-function variants in MSH6 are known to be pathogenic (PMID: 18269114, 24362816). This variant is not present in population databases (gnomAD no frequency). This variant has not been reported in the literature in individuals affected with MSH6-related conditions. ClinVar contains an entry for this variant (Variation ID: 642368). For these reasons, this variant has been classified as Pathogenic.

Myriad Genetics, Inc.
Classification: Pathogenic for Lynch syndrome 5. Last evaluated: 2023-08-10. Review status: criteria provided, single submitter. Criteria: Myriad Autosomal Dominant, Autosomal Recessive and X-Linked Classification Criteria (2023). Collection method: clinical testing. Allele origin: unknown.
Comment: This variant is considered pathogenic. This variant creates a frameshift predicted to result in premature protein truncation.

Literature cited by the submitters: PubMed 18269114 (cited by Labcorp Genetics (formerly Invitae), Labcorp); PubMed 24362816 (cited by Labcorp Genetics (formerly Invitae), Labcorp).

NM_000179.3(MSH6):c.350_353dup (p.Phe119fs)

Gene: MSH6 (mutS homolog 6; plus strand). Cytogenetic location: 2p16.3.
Variant type: Duplication.
Coding change: c.350_353dup on transcript NM_000179.3 (MANE Select); coding-DNA positions 350 to 353, 4 bases duplicated (GAAC; older notation c.350_353dupGAAC).
Protein change: p.Phe119fs; shifts the reading frame from phenylalanine 119.
Molecular consequence: frameshift variant. On other transcripts: 5 prime UTR variant (2), intron variant (1).
Genome position (GRCh38, 1-based): chr2:47,791,016-47,791,019, GAAC duplicated. VCF-style (leftmost placement, unchanged base first): chr2-47791015-G-GGAAC. GRCh37 (hg19) VCF-style: chr2-48018154-G-GGAAC.
Other names: c.-387_-384dup (NM_001281493.2); c.-553_-550dup (NM_001281494.2); c.237+7546_237+7549dup (NM_001281492.2); c.350_353dupGAAC (NM_000179.2); short protein forms F119fs.
Identifiers: ClinVar variation 642368 (VCV000642368.11), dbSNP rs1473648816, ClinGen allele CA769477314.
Genomic context (GRCh38, chr2:47,791,015, plus strand): 5'-TGGGCCAAGATGGAGGGTTACCCCTGGTGGCCTTGTCTGGTTTACAACCACCCCTTTGAT[G>GGAAC]GAACATTCATCCGCGAGAAAGGGAAATCAGTCCGTGTTCATGTACAGTTTTTTGATGACA-3'